The following is an entry in ClinVar:

NM_001330260.2(SCN8A):c.1424G>A (p.Arg475Gln)

Gene: SCN8A (sodium voltage-gated channel alpha subunit 8; plus strand). Cytogenetic location: 12q13.13.
Variant type: single nucleotide variant.
Coding change: c.1424G>A on transcript NM_001330260.2 (MANE Select); coding-DNA position 1424, G replaced by A.
Protein change: p.Arg475Gln; replaces arginine 475 with glutamine.
Molecular consequence: missense variant.
Genome position (GRCh38, 1-based): chr12:51,706,504, G>A. VCF-style: chr12-51706504-G-A. GRCh37 (hg19) VCF-style: chr12-52100288-G-A.
Other names: p.R475Q:CGG>CAG; c.1424G>A, p.Arg475Gln (NM_001177984.3, NM_001369788.1, NM_014191.4); short protein forms R475Q.
Identifiers: ClinVar variation 167654 (VCV000167654.23), dbSNP rs201018451, ClinGen allele CA295643.
Genomic context (GRCh38, chr12:51,706,504, plus strand): 5'-CAGGAACTGTCTCAGAAGATGCCATAGAGGAAGAAGGTGAAGAAGGAGGGGGCTCCCCTC[G>A]GAGCTCTTCTGAAATCTCTAAACTCAGCTCAAAGAGTGCAAAGGAAAGACGTAACAGGAG-3'
Protein context (NP_001317189.1, residues 465-485): EEGEEGGGSP[Arg475Gln]SSSEISKLSS

ClinVar aggregate classification (germline): Likely benign. Review status: criteria provided, multiple submitters, no conflicts (2 of 4 stars). 5 submissions from 5 submitters: Likely benign (4). 1 of the submissions does not count toward it. Last evaluated 2026-01-28.

Conditions:
Early-infantile DEE. Also called: Early infantile epileptic encephalopathy; Ohtahara syndrome; Early infantile epileptic encephalopathy with suppression bursts. Identifiers: Orphanet 1934, MedGen C0393706, MONDO:0800491.
SCN8A-related disorder.
Inborn genetic diseases. Identifiers: MedGen C0950123, MeSH D030342.

Allele frequency attached by ClinVar (database versions not stated): gnomAD 0.00027 and 0.00029; ExAC 0.00012; 1000 Genomes Project 0.00060; gnomAD exomes 0.00004 and 0.00005; 1000 Genomes Project 30x 0.00094; ESP Exome Variant Server 0.00025; TOPMed 0.00027.
gnomAD v4.1: 109 of 1,605,022 alleles (0.0068%); highest among the groups gnomAD compares: African/African-American, 0.088%; no homozygotes.

Submissions (5):

Labcorp Genetics (formerly Invitae), Labcorp
Classification: Likely benign for Early-infantile DEE. Last evaluated: 2026-01-28. Review status: criteria provided, single submitter. Criteria: Invitae Variant Classification Sherloc (09022015). Collection method: clinical testing. Allele origin: germline.

Ambry Genetics
Classification: Likely benign for Inborn genetic diseases. Last evaluated: 2025-10-14. Review status: criteria provided, single submitter. Criteria: Ambry Variant Classification Scheme 2023. Collection method: clinical testing. Allele origin: germline.

GeneDx
Classification: Likely benign. Last evaluated: 2019-02-21. Review status: criteria provided, single submitter. Criteria: GeneDx Variant Classification Process June 2021. Collection method: clinical testing. Allele origin: germline. Affected: yes.
Comment: This variant is associated with the following publications: (PMID: 33083721)

Eurofins Ntd Llc (ga)
Classification: Likely benign. Last evaluated: 2014-12-12. Review status: criteria provided, single submitter. Criteria: EGL Classification Definitions 2015. Collection method: clinical testing. Allele origin: germline. Observed: 2 variant alleles, 2 heterozygotes.

PreventionGenetics, part of Exact Sciences
Classification: Likely benign for SCN8A-related condition. Last evaluated: 2022-08-19. Review status: no assertion criteria provided. Collection method: clinical testing. Allele origin: germline. Not counted in ClinVar's aggregate classification.
Comment: This variant is classified as likely benign based on ACMG/AMP sequence variant interpretation guidelines (Richards et al. 2015 PMID: 25741868, with internal and published modifications).